The following is an entry in ClinVar:

ClinVar aggregate classification (germline): Uncertain significance. Review status: criteria provided, multiple submitters, no conflicts (2 of 4 stars). 3 submissions from 3 submitters: Uncertain significance (2). 1 of the submissions does not count toward it. Last evaluated 2024-01-02.

Conditions:
Glycine encephalopathy. Also called: Nonketotic hyperglycinemia; Non-ketotic hyperglycinemia. Identifiers: Orphanet 407, MedGen C0751748, MONDO:0011612, HP:0008288.
Inborn genetic diseases. Identifiers: MedGen C0950123, MeSH D030342.

Allele frequency attached by ClinVar (database versions not stated): gnomAD 0.00001; ExAC 0.00002; gnomAD exomes 0.00002; TOPMed 0.00005.
gnomAD v4.1: 21 of 1,613,668 alleles (0.0013%); highest among the groups gnomAD compares: Admixed American, 0.0067%; no homozygotes.

Submissions (3):

Ambry Genetics
Classification: Uncertain significance for Inborn genetic diseases. Last evaluated: 2024-01-02. Review status: criteria provided, single submitter. Criteria: Ambry Variant Classification Scheme 2023. Collection method: clinical testing. Allele origin: germline.

Labcorp Genetics (formerly Invitae), Labcorp
Classification: Uncertain significance for Glycine encephalopathy. Last evaluated: 2022-01-14. Review status: criteria provided, single submitter. Criteria: Invitae Variant Classification Sherloc (09022015). Collection method: clinical testing. Allele origin: germline.
Comment: This sequence change replaces threonine, which is neutral and polar, with isoleucine, which is neutral and non-polar, at codon 606 of the GLDC protein (p.Thr606Ile). This variant is present in population databases (rs772777667, gnomAD 0.004%). This variant has not been reported in the literature in individuals affected with GLDC-related conditions. ClinVar contains an entry for this variant (Variation ID: 836777). Advanced modeling of protein sequence and biophysical properties (such as structural, functional, and spatial information, amino acid conservation, physicochemical variation, residue mobility, and thermodynamic stability) performed at Invitae indicates that this missense variant is expected to disrupt GLDC protein function. In summary, the available evidence is currently insufficient to determine the role of this variant in disease. Therefore, it has been classified as a Variant of Uncertain Significance.

Natera, Inc.
Classification: Uncertain significance for Non-ketotic hyperglycinemia. Last evaluated: 2021-02-09. Review status: no assertion criteria provided. Collection method: clinical testing. Allele origin: germline. Not counted in ClinVar's aggregate classification.

NM_000170.3(GLDC):c.1817C>T (p.Thr606Ile)

Gene: GLDC (glycine decarboxylase; minus strand). Cytogenetic location: 9p24.1.
Variant type: single nucleotide variant.
Coding change: c.1817C>T on transcript NM_000170.3 (MANE Select); coding-DNA position 1817, C replaced by T.
Protein change: p.Thr606Ile; replaces threonine 606 with isoleucine.
Molecular consequence: missense variant.
Genome position (GRCh38, 1-based): chr9:6,587,174, G>A on the plus strand (C>T on the coding strand, the complement: GLDC is on the minus strand). VCF-style: chr9-6587174-G-A. GRCh37 (hg19) VCF-style: chr9-6587174-G-A.
Other names: short protein forms T606I.
Identifiers: ClinVar variation 836777 (VCV000836777.7), dbSNP rs772777667, ClinGen allele CA4980533.
Genomic context (GRCh38, chr9:6,587,174, plus strand): 5'-AAACAATAAGAAAAGAAATGCCCTTACCTGTTTGGCTGGAAACAGACCTGGTCATAACCT[G>A]TGAGTTCACACAAATCCTTCTCAAGCTCTCGGAAAAGCTGCTGATATCCTTGAGCTTGAT-3'
Protein context (NP_000161.2, residues 596-616): RELEKDLCEL[Thr606Ile]GYDQVCFQPN